The following is an entry in ClinVar:

ClinVar aggregate classification (germline): Uncertain significance (1 of 4 stars; one submission).

gnomAD v4.1: 16 of 1,549,614 alleles (0.001%); highest among the groups gnomAD compares: East Asian, 0.0024%; no homozygotes.

Submission:

Women's Health and Genetics/Laboratory Corporation of America, LabCorp
Classification: Uncertain significance. Last evaluated: 2025-01-03. Review status: criteria provided, single submitter. Criteria: LabCorp Variant Classification Summary - May 2015. Collection method: clinical testing. Allele origin: germline.
Comment: Variant summary: C2orf69 c.83C>T (p.Ser28Phe) results in a non-conservative amino acid change in the encoded protein sequence. Four of five in-silico tools predict a benign effect of the variant on protein function. The variant was absent in 142292 control chromosomes. The available data on variant occurrences in the general population are insufficient to allow any conclusion about variant significance. To our knowledge, no occurrence of c.83C>T in individuals affected with Combined oxidative phosphorylation deficiency 53 and no experimental evidence demonstrating its impact on protein function have been reported. No submitters have cited clinical-significance assessments for this variant to ClinVar. Based on the evidence outlined above, the variant was classified as uncertain significance.

NM_153689.6(C2orf69):c.83C>T (p.Ser28Phe)

Genes: C2orf69 (chromosome 2 open reading frame 69; plus strand), LOC129935377 (ATAC-STARR-seq lymphoblastoid active region 16950; plus strand). Cytogenetic location: 2q33.1.
Variant type: single nucleotide variant.
Coding change: c.83C>T on transcript NM_153689.6 (MANE Select); coding-DNA position 83, C replaced by T.
Protein change: p.Ser28Phe; replaces serine 28 with phenylalanine.
Molecular consequence: missense variant.
Genome position (GRCh38, 1-based): chr2:199,911,521, C>T. VCF-style: chr2-199911521-C-T. GRCh37 (hg19) VCF-style: chr2-200776244-C-T.
Other names: short protein forms S28F.
Identifiers: ClinVar variation 3769301 (VCV003769301.2).